The following is an entry in ClinVar:

ClinVar aggregate classification (germline): Likely pathogenic (1 of 4 stars; one submission).

Conditions:
JAG1-related disorder. Also called: JAG1-related condition; JAG1-related disorders.

Submission:

PreventionGenetics, part of Exact Sciences
Classification: Likely pathogenic for JAG1-related condition. Last evaluated: 2025-03-28. Review status: criteria provided, single submitter. Criteria: ACMG Guidelines, 2015. Collection method: clinical testing. Allele origin: germline.
Comment: The JAG1 c.2593dupA variant is predicted to result in a frameshift and premature protein termination (p.Thr865Asnfs*14). To our knowledge, this variant has not been reported in the literature or in a large population database (gnomAD), indicating this variant is rare. Frameshift variants in JAG1 are expected to be pathogenic. This variant is interpreted as likely pathogenic.

NM_000214.3(JAG1):c.2593dup (p.Thr865fs)

Gene: JAG1 (jagged canonical Notch ligand 1; minus strand). Cytogenetic location: 20p12.2.
Variant type: Duplication.
Coding change: c.2593dup on transcript NM_000214.3 (MANE Select); coding-DNA position 2593, one base duplicated (A; older notation c.2593dupA).
Protein change: p.Thr865fs; shifts the reading frame from threonine 865.
Molecular consequence: frameshift variant.
Genome position (GRCh38, 1-based): chr20:10,641,872, T duplicated on the plus strand (A on the coding strand, the reverse complement: JAG1 is on the minus strand). VCF-style (leftmost placement, unchanged base first): chr20-10641871-G-GT. GRCh37 (hg19) VCF-style: chr20-10622519-G-GT.
Other names: short protein forms T865fs.
Identifiers: ClinVar variation 4996841 (VCV004996841.1).
Genomic context (GRCh38, chr20:10,641,871, plus strand): 5'-CACTGGCAGGTATTACAGTCATCATCCCATTTGGCCCCATCTGGTATCACACTCCCCATG[G>GT]TGATGCAAGGTCTCCCTGAAACTGACAGGTGGAGACGGGTGAGCAGTTTATTTTTCTGTG-3'